The following is an entry in ClinVar:

ClinVar aggregate classification (germline): Uncertain significance (1 of 4 stars; one submission).

Submission:

Labcorp Genetics (formerly Invitae), Labcorp
Classification: Uncertain significance. Last evaluated: 2024-02-28. Review status: criteria provided, single submitter. Criteria: Invitae Variant Classification Sherloc (09022015). Collection method: clinical testing. Allele origin: germline.
Comment: This sequence change replaces leucine, which is neutral and non-polar, with phenylalanine, which is neutral and non-polar, at codon 334 of the LRRC8A protein (p.Leu334Phe). This variant is not present in population databases (gnomAD no frequency). This variant has not been reported in the literature in individuals affected with LRRC8A-related conditions. An algorithm developed to predict the effect of missense changes on protein structure and function (PolyPhen-2) suggests that this variant is likely to be tolerated. In summary, the available evidence is currently insufficient to determine the role of this variant in disease. Therefore, it has been classified as a Variant of Uncertain Significance.

NM_019594.4(LRRC8A):c.1000C>T (p.Leu334Phe)

Gene: LRRC8A (leucine rich repeat containing 8 VRAC subunit A; plus strand). Cytogenetic location: 9q34.11.
Variant type: single nucleotide variant.
Coding change: c.1000C>T on transcript NM_019594.4 (MANE Select); coding-DNA position 1000, C replaced by T.
Protein change: p.Leu334Phe; replaces leucine 334 with phenylalanine.
Molecular consequence: missense variant.
Genome position (GRCh38, 1-based): chr9:128,908,164, C>T. VCF-style: chr9-128908164-C-T. GRCh37 (hg19) VCF-style: chr9-131670443-C-T.
Other names: c.1000C>T, p.Leu334Phe (NM_001127244.2, NM_001127245.2); short protein forms L334F.
Identifiers: ClinVar variation 3612355 (VCV003612355.2).